The following is an entry in ClinVar:

NM_001352754.2(ARMC9):c.1897A>T (p.Lys633Ter)

Gene: ARMC9 (armadillo repeat containing 9; plus strand). Cytogenetic location: 2q37.1.
Variant type: single nucleotide variant.
Coding change: c.1897A>T on transcript NM_001352754.2 (MANE Select); coding-DNA position 1897, A replaced by T.
Protein change: p.Lys633Ter; replaces lysine 633 with a stop codon.
Molecular consequence: nonsense. On other transcripts: non-coding transcript variant (1).
Genome position (GRCh38, 1-based): chr2:231,344,993, A>T. VCF-style: chr2-231344993-A-T. GRCh37 (hg19) VCF-style: chr2-232209705-A-T.
Other names: c.1897A>T, p.Lys633Ter (NM_001271466.4, NM_001291656.2, NM_001352755.2 and 2 more transcripts); c.1798A>T, p.Lys600Ter (NM_001352757.2, NM_001352758.2); c.1792A>T, p.Lys598Ter (NM_001352759.2); short protein forms K598*, K600*, K633*.
Identifiers: ClinVar variation 4850250 (VCV004850250.1).

ClinVar aggregate classification (germline): Likely pathogenic (1 of 4 stars; one submission).

Conditions:
Joubert syndrome 30. Identifiers: MedGen C4539937, MONDO:0033308, OMIM 617622.

gnomAD v4.1: 1 of 1,613,994 alleles (0.000062%); highest among the groups gnomAD compares: South Asian, 0.0011%; no homozygotes.

Submission:

First Genomix Gene Laboratory, Genetic Diagnostics Department
Classification: Likely pathogenic for Joubert syndrome 30. Last evaluated: 2025-08-29. Review status: criteria provided, single submitter. Criteria: ACMG Guidelines, 2015. Collection method: clinical testing. Allele origin: germline. Inheritance: Autosomal recessive inheritance. Affected: no. Observed: 1 variant allele.